The following is an entry in ClinVar:

NM_001365536.1(SCN9A):c.3421G>A (p.Ala1141Thr)

Genes: SCN9A (sodium voltage-gated channel alpha subunit 9; minus strand), SCN1A-AS1 (SCN1A and SCN9A antisense RNA 1; plus strand). Cytogenetic location: 2q24.3.
Variant type: single nucleotide variant.
Coding change: c.3421G>A on transcript NM_001365536.1 (MANE Select); coding-DNA position 3421, G replaced by A.
Protein change: p.Ala1141Thr; replaces alanine 1141 with threonine.
Molecular consequence: missense variant. On other transcripts: non-coding transcript variant (1).
Genome position (GRCh38, 1-based): chr2:166,251,816, C>T on the plus strand (G>A on the coding strand, the complement: SCN9A is on the minus strand). VCF-style: chr2-166251816-C-T. GRCh37 (hg19) VCF-style: chr2-167108326-C-T.
Other names: c.3388G>A, p.Ala1130Thr (NM_002977.4); short protein forms A1130T, A1141T.
Identifiers: ClinVar variation 2938900 (VCV002938900.3), dbSNP rs2106426380, ClinGen allele CA349071940.

ClinVar aggregate classification (germline): Uncertain significance (1 of 4 stars; one submission).

Conditions:
Neuropathy, hereditary sensory and autonomic, type 2A (HSAN2A). Also called: ACROOSTEOLYSIS, GIACCAI TYPE; ACROOSTEOLYSIS, NEUROGENIC; MORVAN DISEASE; NEUROPATHY, CONGENITAL SENSORY; NEUROPATHY, HEREDITARY SENSORY RADICULAR, AUTOSOMAL RECESSIVE; NEUROPATHY, HEREDITARY SENSORY, TYPE IIA. Identifiers: Orphanet 970, MedGen C2752089, MONDO:0024309, OMIM 201300.
Generalized epilepsy with febrile seizures plus, type 7 (GEFSP7). Also called: GEFS+, TYPE 7. Identifiers: Orphanet 36387, MedGen C2751778, MONDO:0013470, OMIM 613863.

gnomAD v4.1: 1 of 1,612,686 alleles (0.000062%); highest among the groups gnomAD compares: East Asian, 0.0022%; no homozygotes.

Submission:

Labcorp Genetics (formerly Invitae), Labcorp
Classification: Uncertain significance for Neuropathy, hereditary sensory and autonomic, type 2A; Generalized epilepsy with febrile seizures plus, type 7. Last evaluated: 2023-08-19. Review status: criteria provided, single submitter. Criteria: Invitae Variant Classification Sherloc (09022015). Collection method: clinical testing. Allele origin: germline.
Comment: This sequence change replaces alanine, which is neutral and non-polar, with threonine, which is neutral and polar, at codon 1130 of the SCN9A protein (p.Ala1130Thr). This variant is not present in population databases (gnomAD no frequency). This variant has not been reported in the literature in individuals affected with SCN9A-related conditions. Advanced modeling of protein sequence and biophysical properties (such as structural, functional, and spatial information, amino acid conservation, physicochemical variation, residue mobility, and thermodynamic stability) performed at Invitae indicates that this missense variant is not expected to disrupt SCN9A protein function. In summary, the available evidence is currently insufficient to determine the role of this variant in disease. Therefore, it has been classified as a Variant of Uncertain Significance.